The following is an entry in ClinVar:

ClinVar aggregate classification (germline): Uncertain significance. Review status: criteria provided, multiple submitters, no conflicts (2 of 4 stars). 2 submissions from 2 submitters: Uncertain significance (2). Last evaluated 2022-05-05.

gnomAD v4.1: 2 of 1,609,650 alleles (0.00012%); highest among the groups gnomAD compares: Middle Eastern, 0.033%; no homozygotes.

Submissions (2):

Labcorp Genetics (formerly Invitae), Labcorp
Classification: Uncertain significance. Last evaluated: 2022-05-05. Review status: criteria provided, single submitter. Criteria: Invitae Variant Classification Sherloc (09022015). Collection method: clinical testing. Allele origin: germline.
Comment: This sequence change replaces aspartic acid, which is acidic and polar, with asparagine, which is neutral and polar, at codon 197 of the ABCA4 protein (p.Asp197Asn). This variant is present in population databases (rs142985501, gnomAD 0.0009%). This variant has not been reported in the literature in individuals affected with ABCA4-related conditions. Advanced modeling of protein sequence and biophysical properties (such as structural, functional, and spatial information, amino acid conservation, physicochemical variation, residue mobility, and thermodynamic stability) performed at Invitae indicates that this missense variant is not expected to disrupt ABCA4 protein function. In summary, the available evidence is currently insufficient to determine the role of this variant in disease. Therefore, it has been classified as a Variant of Uncertain Significance.

Blueprint Genetics
Classification: Uncertain significance. Last evaluated: 2020-02-06. Review status: criteria provided, single submitter. Criteria: ACMG Guidelines, 2015. Collection method: clinical testing. Allele origin: germline.

NM_000350.3(ABCA4):c.589G>A (p.Asp197Asn)

Gene: ABCA4 (ATP binding cassette subfamily A member 4; minus strand). Cytogenetic location: 1p22.1.
Variant type: single nucleotide variant.
Coding change: c.589G>A on transcript NM_000350.3 (MANE Select); coding-DNA position 589, G replaced by A.
Protein change: p.Asp197Asn; replaces aspartic acid 197 with asparagine.
Molecular consequence: missense variant.
Genome position (GRCh38, 1-based): chr1:94,098,973, C>T on the plus strand (G>A on the coding strand, the complement: ABCA4 is on the minus strand). VCF-style: chr1-94098973-C-T. GRCh37 (hg19) VCF-style: chr1-94564529-C-T.
Other names: c.589G>A, p.Asp197Asn (NM_001425324.1); short protein forms D197N.
Identifiers: ClinVar variation 2134473 (VCV002134473.2), dbSNP rs142985501, ClinGen allele CA958791.